The following is an entry in ClinVar:

NM_139179.4(DAGLB):c.393C>T (p.Asn131=)

Gene: DAGLB (diacylglycerol lipase beta; minus strand). Cytogenetic location: 7p22.1.
Variant type: single nucleotide variant.
Coding change: c.393C>T on transcript NM_139179.4 (MANE Select); coding-DNA position 393, C replaced by T.
Protein change: p.Asn131=; no amino-acid change (asparagine 131 retained).
Molecular consequence: synonymous variant.
Genome position (GRCh38, 1-based): chr7:6,436,388, G>A on the plus strand (C>T on the coding strand, the complement: DAGLB is on the minus strand). VCF-style: chr7-6436388-G-A. GRCh37 (hg19) VCF-style: chr7-6476019-G-A.
Other names: c.393C>T, p.Asn131= (NM_001142936.2).
Identifiers: ClinVar variation 778011 (VCV000778011.28), dbSNP rs145348882, ClinGen allele CA4154711.

ClinVar aggregate classification (germline): Benign/Likely benign. Review status: criteria provided, multiple submitters, no conflicts (2 of 4 stars). 2 submissions from 2 submitters: Benign (1); Likely benign (1). Last evaluated 2022-12-01.

Allele frequency attached by ClinVar (database versions not stated): 1000 Genomes Project 30x 0.00078; 1000 Genomes Project 0.00100; ExAC 0.00316; gnomAD exomes 0.00322; gnomAD 0.00326 and 0.00337; TOPMed 0.00328; ESP Exome Variant Server 0.00392.
gnomAD v4.1: 6,826 of 1,612,440 alleles (0.42%); highest among the groups gnomAD compares: Middle Eastern, 1.6%; 29 homozygotes.

Submissions (2):

CeGaT Center for Human Genetics Tuebingen
Classification: Likely benign. Last evaluated: 2022-12-01. Review status: criteria provided, single submitter. Criteria: CeGaT Center For Human Genetics Tuebingen Variant Classification Criteria Version 2. Collection method: clinical testing. Allele origin: germline. Affected: yes. Observed: 1 variant allele.
Comment: DAGLB: BP4, BP7, BS2

Labcorp Genetics (formerly Invitae), Labcorp
Classification: Benign. Last evaluated: 2019-12-31. Review status: criteria provided, single submitter. Criteria: Invitae Variant Classification Sherloc (09022015). Collection method: clinical testing. Allele origin: germline.